The following is an entry in ClinVar:

NM_001378609.3(OTOGL):c.1282G>C (p.Asp428His)

Gene: OTOGL (otogelin like; plus strand). Cytogenetic location: 12q21.31.
Variant type: single nucleotide variant.
Coding change: c.1282G>C on transcript NM_001378609.3 (MANE Select); coding-DNA position 1282, G replaced by C.
Protein change: p.Asp428His; replaces aspartic acid 428 with histidine.
Molecular consequence: missense variant.
Genome position (GRCh38, 1-based): chr12:80,252,198, G>C. VCF-style: chr12-80252198-G-C. GRCh37 (hg19) VCF-style: chr12-80645978-G-C.
Other names: c.1282G>C, p.Asp428His (NM_001368062.3, NM_001378610.3, NM_173591.7); c.1255G>C (NM_173591.3); short protein forms D428H.
Identifiers: ClinVar variation 1367956 (VCV001367956.7), dbSNP rs769096666, ClinGen allele CA6700405.
Genomic context (GRCh38, chr12:80,252,198, plus strand): 5'-ACATTTGAGAAGCAATGTCTTGGGAGCAATCTCCATTGTCTTGATGGATGTTACTGCCCA[G>C]ATGGTAAGTGCTTCATGAAGAAACCATGTCTGCACTCATGGAAACTAGTACCCAGTGATC-3'
Protein context (NP_001365538.2, residues 418-438): LHCLDGCYCP[Asp428His]GLVMDNGTCI

ClinVar aggregate classification (germline): Uncertain significance. Review status: criteria provided, multiple submitters, no conflicts (2 of 4 stars). 2 submissions from 2 submitters: Uncertain significance (2). Last evaluated 2024-08-20.

Conditions:
Inborn genetic diseases. Identifiers: MedGen C0950123, MeSH D030342.

Allele frequency attached by ClinVar (database versions not stated): gnomAD 0.00001; TOPMed 0.00001; gnomAD exomes 0.00003 and 0.00007; ExAC 0.00007.
gnomAD v4.1: 18 of 1,598,080 alleles (0.0011%); highest among the groups gnomAD compares: Admixed American, 0.031%; no homozygotes.

Submissions (2):

Ambry Genetics
Classification: Uncertain significance for Inborn genetic diseases. Last evaluated: 2024-08-20. Review status: criteria provided, single submitter. Criteria: Ambry Variant Classification Scheme 2023. Collection method: clinical testing. Allele origin: germline.

Labcorp Genetics (formerly Invitae), Labcorp
Classification: Uncertain significance. Last evaluated: 2023-08-10. Review status: criteria provided, single submitter. Criteria: Invitae Variant Classification Sherloc (09022015). Collection method: clinical testing. Allele origin: germline.
Comment: In summary, the available evidence is currently insufficient to determine the role of this variant in disease. Therefore, it has been classified as a Variant of Uncertain Significance. An algorithm developed to predict the effect of missense changes on protein structure and function (PolyPhen-2) suggests that this variant is likely to be disruptive. ClinVar contains an entry for this variant (Variation ID: 1367956). This variant has not been reported in the literature in individuals affected with OTOGL-related conditions. This variant is present in population databases (rs769096666, gnomAD 0.04%). This sequence change replaces aspartic acid, which is acidic and polar, with histidine, which is basic and polar, at codon 419 of the OTOGL protein (p.Asp419His).